The following is an entry in ClinVar:

ClinVar aggregate classification (germline): Uncertain significance (1 of 4 stars; one submission).

gnomAD v4.1: 3 of 1,599,636 alleles (0.00019%); highest among the groups gnomAD compares: Middle Eastern, 0.017%; no homozygotes.

Submission:

Mayo Clinic Laboratories, Mayo Clinic
Classification: Uncertain significance. Last evaluated: 2024-07-18. Review status: criteria provided, single submitter. Criteria: ACMG Guidelines, 2015. Collection method: clinical testing. Allele origin: germline. Observed: 1 variant allele.
Comment: BP4, PM2

Literature cited by the submitters: PubMed 20489202; PubMed 25451273.

NM_007217.4(PDCD10):c.439A>G (p.Asn147Asp)

Gene: PDCD10 (programmed cell death 10; minus strand). Cytogenetic location: 3q26.1.
Variant type: single nucleotide variant.
Coding change: c.439A>G on transcript NM_007217.4 (MANE Select); coding-DNA position 439, A replaced by G.
Protein change: p.Asn147Asp; replaces asparagine 147 with aspartic acid.
Molecular consequence: missense variant.
Genome position (GRCh38, 1-based): chr3:167,687,650, T>C on the plus strand (A>G on the coding strand, the complement: PDCD10 is on the minus strand). VCF-style: chr3-167687650-T-C. GRCh37 (hg19) VCF-style: chr3-167405438-T-C.
Other names: p.Asn147Asp; c.439A>G, p.Asn147Asp (NM_145859.2, NM_145860.2); short protein forms N147D.
Identifiers: ClinVar variation 3379512 (VCV003379512.1).